The following is an entry in ClinVar:

NM_015335.5(MED13L):c.4382G>A (p.Arg1461His)

Gene: MED13L (mediator complex subunit 13L; minus strand). Cytogenetic location: 12q24.21.
Variant type: single nucleotide variant.
Coding change: c.4382G>A on transcript NM_015335.5 (MANE Select); coding-DNA position 4382, G replaced by A.
Protein change: p.Arg1461His; replaces arginine 1461 with histidine.
Molecular consequence: missense variant.
Genome position (GRCh38, 1-based): chr12:115,984,329, C>T on the plus strand (G>A on the coding strand, the complement: MED13L is on the minus strand). VCF-style: chr12-115984329-C-T. GRCh37 (hg19) VCF-style: chr12-116422134-C-T.
Other names: c.4382G>A (NM_015335.4); short protein forms R1461H.
Identifiers: ClinVar variation 2067587 (VCV002067587.28), dbSNP rs543711219, ClinGen allele CA6810806.

ClinVar aggregate classification (germline): Likely benign. Review status: criteria provided, multiple submitters, no conflicts (2 of 4 stars). 3 submissions from 3 submitters: Likely benign (3). Last evaluated 2025-10-02.

Conditions:
Dextro-looped transposition of the great arteries. Also called: Dextrotransposition of the great arteries. Identifiers: Orphanet 860, MedGen C3531771, MONDO:0019443, OMIM 608808, HP:0031348.
Inborn genetic diseases. Identifiers: MedGen C0950123, MeSH D030342.

Allele frequency attached by ClinVar (database versions not stated): gnomAD 0.00001; gnomAD exomes 0.00001; TOPMed 0.00001; ExAC 0.00002; 1000 Genomes Project 30x 0.00016; 1000 Genomes Project 0.00020.
gnomAD v4.1: 15 of 1,614,096 alleles (0.00093%); highest among the groups gnomAD compares: South Asian, 0.0055%; no homozygotes.

Submissions (3):

Labcorp Genetics (formerly Invitae), Labcorp
Classification: Likely benign for Dextro-looped transposition of the great arteries. Last evaluated: 2025-10-02. Review status: criteria provided, single submitter. Criteria: Invitae Variant Classification Sherloc (09022015). Collection method: clinical testing. Allele origin: germline.

Ambry Genetics
Classification: Likely benign for Inborn genetic diseases. Last evaluated: 2025-04-03. Review status: criteria provided, single submitter. Criteria: Ambry Variant Classification Scheme 2023. Collection method: clinical testing. Allele origin: germline.

CeGaT Center for Human Genetics Tuebingen
Classification: Likely benign. Last evaluated: 2023-06-01. Review status: criteria provided, single submitter. Criteria: CeGaT Center For Human Genetics Tuebingen Variant Classification Criteria Version 2. Collection method: clinical testing. Allele origin: germline. Affected: yes. Observed: 1 variant allele.
Comment: MED13L: BP4